The following is an entry in ClinVar:

NM_001164508.2(NEB):c.11119C>T (p.His3707Tyr)

Gene: NEB (nebulin; minus strand). Cytogenetic location: 2q23.3.
Variant type: single nucleotide variant.
Coding change: c.11119C>T on transcript NM_001164508.2 (MANE Select); coding-DNA position 11119, C replaced by T.
Protein change: p.His3707Tyr; replaces histidine 3707 with tyrosine.
Molecular consequence: missense variant.
Genome position (GRCh38, 1-based): chr2:151,617,426, G>A on the plus strand (C>T on the coding strand, the complement: NEB is on the minus strand). VCF-style: chr2-151617426-G-A. GRCh37 (hg19) VCF-style: chr2-152473940-G-A.
Other names: c.11119C>T, p.His3707Tyr (NM_001164507.2, NM_001271208.2); c.10390C>T, p.His3464Tyr (NM_004543.5); short protein forms H3464Y, H3707Y.
Identifiers: ClinVar variation 2091647 (VCV002091647.1), dbSNP rs1311423934, ClinGen allele CA348785079.
Genomic context (GRCh38, chr2:151,617,426, plus strand): 5'-CACTGTAGTTTATTCGGTTGAGTTTGGCTAACATGATTTCTGGTGTATCAGGCATGACAT[G>A]AATAGTTTTCTTGTCATTGTCCCAGGCTTCAGTATATAAGCGCTACAAAAAAAAAAAAAA-3'
Protein context (NP_001157980.2, residues 3697-3717): EAWDNDKKTI[His3707Tyr]VMPDTPEIML

ClinVar aggregate classification (germline): Uncertain significance (1 of 4 stars; one submission).

Conditions:
Nemaline myopathy 2 (NEM2). Also called: Nemaline myopathy 2, autosomal recessive. Identifiers: MedGen C1850569, MONDO:0009725, OMIM 256030.

Submission:

Labcorp Genetics (formerly Invitae), Labcorp
Classification: Uncertain significance for Nemaline myopathy 2. Last evaluated: 2022-02-01. Review status: criteria provided, single submitter. Criteria: Invitae Variant Classification Sherloc (09022015). Collection method: clinical testing. Allele origin: germline.
Comment: This sequence change replaces histidine, which is basic and polar, with tyrosine, which is neutral and polar, at codon 3707 of the NEB protein (p.His3707Tyr). This variant is not present in population databases (gnomAD no frequency). This variant has not been reported in the literature in individuals affected with NEB-related conditions. Algorithms developed to predict the effect of missense changes on protein structure and function are either unavailable or do not agree on the potential impact of this missense change (SIFT: "Deleterious"; PolyPhen-2: "Not Available"; Align-GVGD: "Class C0"). In summary, the available evidence is currently insufficient to determine the role of this variant in disease. Therefore, it has been classified as a Variant of Uncertain Significance.